The following is an entry in ClinVar:

ClinVar aggregate classification (germline): Likely benign. Review status: criteria provided, multiple submitters, no conflicts (2 of 4 stars). 7 submissions from 7 submitters: Likely benign (7). Last evaluated 2025-02-16.

Conditions:
Familial thoracic aortic aneurysm and aortic dissection (TAAD). Also called: Thoracic aortic aneurysms and dissections. Identifiers: Orphanet 91387, MedGen C4707243, MONDO:0019625.
Aortic aneurysm, familial thoracic 4 (AAT4). Also called: AORTIC ANEURYSM/AORTIC DISSECTION AND PATENT DUCTUS ARTERIOSUS. Identifiers: MedGen C1851504, MONDO:0007568, OMIM 132900.

Allele frequency attached by ClinVar (database versions not stated): gnomAD exomes 0.00001; TOPMed 0.00001; ExAC 0.00002; gnomAD 0.00002; ESP Exome Variant Server 0.00008.
gnomAD v4.1: 12 of 1,614,024 alleles (0.00074%); highest among the groups gnomAD compares: East Asian, 0.0022%; no homozygotes.

Submissions (7):

Labcorp Genetics (formerly Invitae), Labcorp
Classification: Likely benign for Aortic aneurysm, familial thoracic 4. Last evaluated: 2025-02-16. Review status: criteria provided, single submitter. Criteria: Invitae Variant Classification Sherloc (09022015). Collection method: clinical testing. Allele origin: germline.

CeGaT Center for Human Genetics Tuebingen
Classification: Likely benign. Last evaluated: 2024-07-01. Review status: criteria provided, single submitter. Criteria: CeGaT Center For Human Genetics Tuebingen Variant Classification Criteria Version 2. Collection method: clinical testing. Allele origin: germline. Affected: yes. Observed: 1 variant allele.
Comment: MYH11: BP4, BP7

All of Us Research Program, National Institutes of Health
Classification: Likely benign for Familial thoracic aortic aneurysm and aortic dissection. Last evaluated: 2023-07-10. Review status: criteria provided, single submitter. Criteria: ACMG Guidelines, 2015. Collection method: clinical testing. Allele origin: germline. Inheritance: Autosomal dominant inheritance. Observed: 3 variant alleles, 3 heterozygotes.
Comment: This study involves interpretation of variants in research participants for the purpose of population health screening. Participant phenotype was not available at the time of variant classification. Additional details can be found in publication PMID: 35346344, PMCID: PMC8962531

Color Diagnostics, LLC DBA Color Health
Classification: Likely benign for Familial thoracic aortic aneurysm and aortic dissection. Last evaluated: 2022-11-06. Review status: criteria provided, single submitter. Criteria: ACMG Guidelines, 2015. Collection method: clinical testing. Allele origin: germline.

Blueprint Genetics
Classification: Likely benign. Last evaluated: 2022-07-15. Review status: criteria provided, single submitter. Criteria: ACMG Guidelines, 2015. Collection method: clinical testing. Allele origin: germline.

Ambry Genetics
Classification: Likely benign for Familial thoracic aortic aneurysm and aortic dissection. Last evaluated: 2020-03-29. Review status: criteria provided, single submitter. Criteria: Ambry Variant Classification Scheme 2023. Collection method: clinical testing. Allele origin: germline.

ARUP Laboratories, Molecular Genetics and Genomics, ARUP Laboratories
Classification: Likely benign. Last evaluated: 2017-06-07. Review status: criteria provided, single submitter. Criteria: ARUP Molecular Germline Variant Investigation Process. Collection method: clinical testing. Allele origin: germline.

NM_002474.3(MYH11):c.684C>T (p.Phe228=)

Gene: MYH11 (myosin heavy chain 11; minus strand). Cytogenetic location: 16p13.11.
Variant type: single nucleotide variant.
Coding change: c.684C>T on transcript NM_002474.3 (MANE Select); coding-DNA position 684, C replaced by T.
Protein change: p.Phe228=; no amino-acid change (phenylalanine 228 retained).
Molecular consequence: synonymous variant.
Genome position (GRCh38, 1-based): chr16:15,782,427, G>A on the plus strand (C>T on the coding strand, the complement: MYH11 is on the minus strand). VCF-style: chr16-15782427-G-A. GRCh37 (hg19) VCF-style: chr16-15876284-G-A.
Other names: c.705C>T, p.Phe235= (NM_001040113.2, NM_001040114.2); c.684C>T, p.Phe228= (NM_022844.3).
Identifiers: ClinVar variation 618229 (VCV000618229.32), dbSNP rs368292089, ClinGen allele CA7922852.